The following is an entry in ClinVar:

ClinVar aggregate classification (germline): Uncertain significance (1 of 4 stars; one submission).

Conditions:
Inborn genetic diseases. Identifiers: MedGen C0950123, MeSH D030342.

Submission:

Ambry Genetics
Classification: Uncertain significance for Inborn genetic diseases. Last evaluated: 2025-02-09. Review status: criteria provided, single submitter. Criteria: Ambry Variant Classification Scheme 2023. Collection method: clinical testing. Allele origin: germline.
Comment: The p.L330P variant (also known as c.989T>C), located in coding exon 8 of the BUB1B gene, results from a T to C substitution at nucleotide position 989. The leucine at codon 330 is replaced by proline, an amino acid with similar properties. This amino acid position is conserved. In addition, this alteration is predicted to be tolerated by in silico analysis. Based on the available evidence, the clinical significance of this variant remains unclear.

NM_001211.6(BUB1B):c.989T>C (p.Leu330Pro)

Gene: BUB1B (BUB1 mitotic checkpoint serine/threonine kinase B; plus strand). Cytogenetic location: 15q15.1.
Variant type: single nucleotide variant.
Coding change: c.989T>C on transcript NM_001211.6 (MANE Select); coding-DNA position 989, T replaced by C.
Protein change: p.Leu330Pro; replaces leucine 330 with proline.
Molecular consequence: missense variant.
Genome position (GRCh38, 1-based): chr15:40,185,573, T>C. VCF-style: chr15-40185573-T-C. GRCh37 (hg19) VCF-style: chr15-40477774-T-C.
Other names: short protein forms L330P.
Identifiers: ClinVar variation 3826118 (VCV003826118.1).